The following is an entry in ClinVar:

ClinVar aggregate classification (germline): Pathogenic. Review status: criteria provided, multiple submitters, no conflicts (2 of 4 stars). 2 submissions from 2 submitters: Pathogenic (2). Last evaluated 2024-05-09.

Conditions:
Cohen syndrome (COH1). Also called: Cutis verticis gyrata, retinitis pigmentosa, and sensorineural deafness; PEPPER SYNDROME. Identifiers: Orphanet 193, MedGen C0265223, MONDO:0008999, OMIM 216550.

Submissions (2):

Myriad Genetics, Inc.
Classification: Pathogenic for Cohen syndrome. Last evaluated: 2024-05-09. Review status: criteria provided, single submitter. Criteria: Myriad Autosomal Dominant, Autosomal Recessive and X-Linked Classification Criteria (2023). Collection method: clinical testing. Allele origin: unknown.
Comment: NM_017890.4(VPS13B):c.6021C>A(C2007*) is expected to be pathogenic in the context of Cohen syndrome. This variant is predicted to lead to an abnormal or absent protein product due to the creation of a premature termination codon in VPS13B, a gene where loss-of-function variants are known to be pathogenic. Please note: this variant was assessed in the context of healthy population screening.

Labcorp Genetics (formerly Invitae), Labcorp
Classification: Pathogenic for Cohen syndrome. Last evaluated: 2023-10-15. Review status: criteria provided, single submitter. Criteria: Invitae Variant Classification Sherloc (09022015). Collection method: clinical testing. Allele origin: germline.
Comment: This sequence change creates a premature translational stop signal (p.Cys2007*) in the VPS13B gene. It is expected to result in an absent or disrupted protein product. Loss-of-function variants in VPS13B are known to be pathogenic (PMID: 15141358, 16648375, 20461111). This variant is not present in population databases (gnomAD no frequency). This variant has not been reported in the literature in individuals affected with VPS13B-related conditions. ClinVar contains an entry for this variant (Variation ID: 2036397). For these reasons, this variant has been classified as Pathogenic.

Literature cited by the submitters: PubMed 15141358 (cited by Labcorp Genetics (formerly Invitae), Labcorp); PubMed 16648375 (cited by Labcorp Genetics (formerly Invitae), Labcorp); PubMed 20461111 (cited by Labcorp Genetics (formerly Invitae), Labcorp).

NM_152564.5(VPS13B):c.5946C>A (p.Cys1982Ter)

Gene: VPS13B (vacuolar protein sorting 13 homolog B; plus strand). Cytogenetic location: 8q22.2.
Variant type: single nucleotide variant.
Coding change: c.5946C>A on transcript NM_152564.5 (MANE Select); coding-DNA position 5946, C replaced by A.
Protein change: p.Cys1982Ter; replaces cysteine 1982 with a stop codon.
Molecular consequence: nonsense.
Genome position (GRCh38, 1-based): chr8:99,661,391, C>A. VCF-style: chr8-99661391-C-A. GRCh37 (hg19) VCF-style: chr8-100673619-C-A.
Other names: c.6021C>A, p.Cys2007Ter (NM_017890.5); short protein forms C2007*, C1982*.
Identifiers: ClinVar variation 2036397 (VCV002036397.5), dbSNP rs2491289899, ClinGen allele CA371868821.